The following is an entry in ClinVar:

ClinVar aggregate classification (germline): Uncertain significance. Review status: criteria provided, multiple submitters, no conflicts (2 of 4 stars). 3 submissions from 3 submitters: Uncertain significance (3). Last evaluated 2025-12-28.

Conditions:
Inborn genetic diseases. Identifiers: MedGen C0950123, MeSH D030342.

Allele frequency attached by ClinVar (database versions not stated): gnomAD exomes below 0.00001; ExAC 0.00001; gnomAD 0.00001.
gnomAD v4.1: 8 of 1,613,924 alleles (0.0005%); highest among the groups gnomAD compares: African/African-American, 0.0013%; no homozygotes.

Submissions (3):

Labcorp Genetics (formerly Invitae), Labcorp
Classification: Uncertain significance. Last evaluated: 2025-12-28. Review status: criteria provided, single submitter. Criteria: Invitae Variant Classification Sherloc (09022015). Collection method: clinical testing. Allele origin: germline.
Comment: This sequence change replaces isoleucine, which is neutral and non-polar, with valine, which is neutral and non-polar, at codon 95 of the C1S protein (p.Ile95Val). This variant is present in population databases (rs781863014, gnomAD 0.0009%). This variant has not been reported in the literature in individuals affected with C1S-related conditions. ClinVar contains an entry for this variant (Variation ID: 1959831). Invitae Evidence Modeling of protein sequence and biophysical properties (such as structural, functional, and spatial information, amino acid conservation, physicochemical variation, residue mobility, and thermodynamic stability) indicates that this missense variant is not expected to disrupt C1S protein function with a negative predictive value of 80%. In summary, the available evidence is currently insufficient to determine the role of this variant in disease. Therefore, it has been classified as a Variant of Uncertain Significance.

Ambry Genetics
Classification: Uncertain significance for Inborn genetic diseases. Last evaluated: 2025-04-01. Review status: criteria provided, single submitter. Criteria: Ambry Variant Classification Scheme 2023. Collection method: clinical testing. Allele origin: germline.

Revvity Omics, Revvity
Classification: Uncertain significance. Last evaluated: 2022-06-24. Review status: criteria provided, single submitter. Criteria: ACMG Guidelines, 2015. Collection method: clinical testing. Allele origin: germline.

NM_001734.5(C1S):c.283A>G (p.Ile95Val)

Gene: C1S (complement C1s; plus strand). Cytogenetic location: 12p13.31.
Variant type: single nucleotide variant.
Coding change: c.283A>G on transcript NM_001734.5 (MANE Select); coding-DNA position 283, A replaced by G.
Protein change: p.Ile95Val; replaces isoleucine 95 with valine.
Molecular consequence: missense variant. On other transcripts: 5 prime UTR variant (1).
Genome position (GRCh38, 1-based): chr12:7,062,959, A>G. VCF-style: chr12-7062959-A-G. GRCh37 (hg19) VCF-style: chr12-7170263-A-G.
Other names: c.283A>G (NM_201442.2); c.-219A>G (NM_001346850.2); c.283A>G, p.Ile95Val (NM_201442.4); short protein forms I95V.
Identifiers: ClinVar variation 1959831 (VCV001959831.9), dbSNP rs781863014, ClinGen allele CA6423369.
Genomic context (GRCh38, chr12:7,062,959, plus strand): 5'-GGAGACACTGAAGAAGGGAGGCTCTGTGGACAGAGGAGCAGTAACAATCCCCACTCTCCA[A>G]TTGTGGAAGAGTTCCAAGTCCCATACAACAAACTCCAGGTGATCTTTAAGTCAGACTTTT-3'
Protein context (NP_001725.1, residues 85-105): QRSSNNPHSP[Ile95Val]VEEFQVPYNK